The following is an entry in ClinVar:

NM_000543.5(SMPD1):c.1712C>A (p.Thr571Asn)

Gene: SMPD1 (sphingomyelin phosphodiesterase 1; plus strand). Cytogenetic location: 11p15.4.
Variant type: single nucleotide variant.
Coding change: c.1712C>A on transcript NM_000543.5 (MANE Select); coding-DNA position 1712, C replaced by A.
Protein change: p.Thr571Asn; replaces threonine 571 with asparagine.
Molecular consequence: missense variant. On other transcripts: 3 prime UTR variant (1), non-coding transcript variant (2).
Genome position (GRCh38, 1-based): chr11:6,394,423, C>A. VCF-style: chr11-6394423-C-A. GRCh37 (hg19) VCF-style: chr11-6415653-C-A.
Other names: c.1709C>A, p.Thr570Asn (NM_001007593.3); c.*205C>A (NM_001318087.2); c.791C>A, p.Thr264Asn (NM_001318088.2); c.1580C>A, p.Thr527Asn (NM_001365135.2); short protein forms T264N, T527N, T570N, T571N.
Identifiers: ClinVar variation 4756080 (VCV004756080.1).
Genomic context (GRCh38, chr11:6,394,423, plus strand): 5'-TGCCTACCGCCTGGCACAACCTGGTATATCGCATGCGGGGCGACATGCAACTTTTCCAGA[C>A]CTTCTGGTTTCTCTACCATAAGGGCCACCCACCCTCGGAGCCCTGTGGCACGCCCTGCCG-3'
Protein context (NP_000534.3, residues 561-581): RMRGDMQLFQ[Thr571Asn]FWFLYHKGHP

ClinVar aggregate classification (germline): Uncertain significance (1 of 4 stars; one submission).

gnomAD v4.1: 15 of 1,614,122 alleles (0.00093%); highest among the groups gnomAD compares: African/African-American, 0.012%; no homozygotes.

Submission:

GeneDx
Classification: Uncertain significance. Last evaluated: 2025-08-09. Review status: criteria provided, single submitter. Criteria: GeneDx Variant Classification Process June 2021. Collection method: clinical testing. Allele origin: germline. Affected: yes.
Comment: Not observed at significant frequency in large population cohorts (gnomAD); In silico analysis suggests that this missense variant does not alter protein structure/function; Has not been previously published as pathogenic or benign to our knowledge